The following is an entry in ClinVar:

NM_018972.4(GDAP1):c.765G>C (p.Leu255Phe)

Gene: GDAP1 (ganglioside induced differentiation associated protein 1; plus strand). Cytogenetic location: 8q21.11.
Variant type: single nucleotide variant.
Coding change: c.765G>C on transcript NM_018972.4 (MANE Select); coding-DNA position 765, G replaced by C.
Protein change: p.Leu255Phe; replaces leucine 255 with phenylalanine.
Molecular consequence: missense variant. On other transcripts: intron variant (1).
Genome position (GRCh38, 1-based): chr8:74,364,055, G>C. VCF-style: chr8-74364055-G-C. GRCh37 (hg19) VCF-style: chr8-75276290-G-C.
Other names: c.561G>C, p.Leu187Phe (NM_001040875.4); c.438G>C, p.Leu146Phe (NM_001362929.2, NM_001362932.2); c.591G>C, p.Leu197Phe (NM_001362930.2); c.694+1002G>C (NM_001362931.2); short protein forms L146F, L187F, L255F, L197F.
Identifiers: ClinVar variation 840064 (VCV000840064.9), dbSNP rs1809501318, ClinGen allele CA371550125.

ClinVar aggregate classification (germline): Uncertain significance (1 of 4 stars; one submission).

Conditions:
Charcot-Marie-Tooth disease type 4A. Also called: Charcot-Marie-Tooth disease, demyelinating, autosomal recessive, type 4a. Identifiers: Orphanet 99948, MedGen C1859198, MONDO:0008961, OMIM 214400.

Allele frequency attached by ClinVar (database versions not stated): gnomAD exomes below 0.00001.
gnomAD v4.1: 3 of 1,613,830 alleles (0.00019%); highest among the groups gnomAD compares: Non-Finnish European, 0.00025%; no homozygotes.

Submission:

Labcorp Genetics (formerly Invitae), Labcorp
Classification: Uncertain significance for Charcot-Marie-Tooth disease type 4A. Last evaluated: 2023-11-17. Review status: criteria provided, single submitter. Criteria: Invitae Variant Classification Sherloc (09022015). Collection method: clinical testing. Allele origin: germline.
Comment: This sequence change replaces leucine, which is neutral and non-polar, with phenylalanine, which is neutral and non-polar, at codon 255 of the GDAP1 protein (p.Leu255Phe). This variant is not present in population databases (gnomAD no frequency). This missense change has been observed in individual(s) with Charcot-Marie-Tooth (PMID: 32376792). ClinVar contains an entry for this variant (Variation ID: 840064). An algorithm developed to predict the effect of missense changes on protein structure and function (PolyPhen-2) suggests that this variant is likely to be disruptive. In summary, the available evidence is currently insufficient to determine the role of this variant in disease. Therefore, it has been classified as a Variant of Uncertain Significance.

Literature cited by the submitters: PubMed 32376792.